The following is an entry in ClinVar:

NM_000089.4(COL1A2):c.902G>A (p.Gly301Glu)

Gene: COL1A2 (collagen type I alpha 2 chain; plus strand). Cytogenetic location: 7q21.3.
Variant type: single nucleotide variant.
Coding change: c.902G>A on transcript NM_000089.4 (MANE Select); coding-DNA position 902, G replaced by A.
Protein change: p.Gly301Glu; replaces glycine 301 with glutamic acid.
Molecular consequence: missense variant.
Genome position (GRCh38, 1-based): chr7:94,409,574, G>A. VCF-style: chr7-94409574-G-A. GRCh37 (hg19) VCF-style: chr7-94038886-G-A.
Other names: short protein forms G301E.
Identifiers: ClinVar variation 4783360 (VCV004783360.1).

ClinVar aggregate classification (germline): Pathogenic (1 of 4 stars; one submission).

Conditions:
Ehlers-Danlos syndrome, classic type, 1 (EDSCL1). Also called: EHLERS-DANLOS SYNDROME, GRAVIS TYPE; EHLERS-DANLOS SYNDROME, SEVERE CLASSIC TYPE; Ehlers-Danlos syndrome, type 1; Ehlers-Danlos Syndrome, Classic Type, COL5A1-Related; EDS I. Identifiers: MedGen C0268335, MONDO:0019567, OMIM 130000.
Osteogenesis imperfecta type I (OI1). Also called: OI, TYPE I; OSTEOGENESIS IMPERFECTA TARDA; OSTEOGENESIS IMPERFECTA WITH BLUE SCLERAE; Osteogenesis imperfecta type 1; Lobstein's Disease; Lobstein disease. Identifiers: Orphanet 216796, Orphanet 666, MedGen C0023931, MONDO:0008146, OMIM 166200. Disease mechanism: loss of function.

Submission:

Labcorp Genetics (formerly Invitae), Labcorp
Classification: Pathogenic for Osteogenesis imperfecta type I; Ehlers-Danlos syndrome, classic type, 1. Last evaluated: 2025-07-22. Review status: criteria provided, single submitter. Criteria: Invitae Variant Classification Sherloc (09022015). Collection method: clinical testing. Allele origin: germline.
Comment: This sequence change replaces glycine, which is neutral and non-polar, with glutamic acid, which is acidic and polar, at codon 301 of the COL1A2 protein (p.Gly301Glu). This variant is not present in population databases (gnomAD no frequency). This missense change has been observed in individual(s) with osteogenesis imperfecta (PMID: 29955634; internal data). In at least one individual the variant was observed to be de novo. Invitae Evidence Modeling of protein sequence and biophysical properties (such as structural, functional, and spatial information, amino acid conservation, physicochemical variation, residue mobility, and thermodynamic stability) indicates that this missense variant is expected to disrupt COL1A2 protein function with a positive predictive value of 95%. This variant disrupts the triple helix domain of COL1A2. Glycine residues within the Gly-Xaa-Yaa repeats of the triple helix domain are required for the structure and stability of fibrillar collagens (PMID: 7695699, 8218237, 19344236). In COL1A2, variants affecting these glycine residues are significantly enriched in individuals with disease (PMID: 9016532, 17078022) compared to the general population (ExAC). For these reasons, this variant has been classified as Pathogenic.

Literature cited by the submitters: PubMed 29955634; PubMed 7695699; PubMed 8218237; PubMed 19344236; PubMed 9016532; PubMed 17078022.